The following is an entry in ClinVar:

ClinVar aggregate classification (germline): Uncertain significance. Review status: criteria provided, multiple submitters, no conflicts (2 of 4 stars). 2 submissions from 2 submitters: Uncertain significance (2). Last evaluated 2020-02-16.

Conditions:
Muscular dystrophy-dystroglycanopathy (congenital with brain and eye anomalies), type A2. Also called: MUSCULAR DYSTROPHY-DYSTROGLYCANOPATHY (CONGENITAL WITH BRAIN AND EYE ANOMALIES), TYPE A, 2; WALKER-WARBURG SYNDROME OR MUSCLE-EYE-BRAIN DISEASE, POMT2-RELATED. Identifiers: Orphanet 588, Orphanet 899, MedGen C3150411, MONDO:0013154, OMIM 613150.
Muscular dystrophy-dystroglycanopathy (congenital with impaired intellectual development), type B, 2. Also called: MUSCULAR DYSTROPHY, CONGENITAL, POMT2-RELATED; Muscular dystrophy-dystroglycanopathy (congenital with intellectual disability), type B2. Identifiers: MedGen C3150416, MONDO:0013160, OMIM 613156.
Autosomal recessive limb-girdle muscular dystrophy type 2N. Also called: Muscular dystrophy-dystroglycanopathy (limb-girdle), type C, 2; MUSCULAR DYSTROPHY-DYSTROGLYCANOPATHY, LIMB-GIRDLE, POMT2-RELATED. Identifiers: Orphanet 206559, MedGen C3150418, MONDO:0013162, OMIM 613158.

Allele frequency attached by ClinVar (database versions not stated): gnomAD exomes 0.00001 and below 0.00001; ExAC 0.00001; TOPMed 0.00002.
gnomAD v4.1: 2 of 1,613,732 alleles (0.00012%); highest among the groups gnomAD compares: East Asian, 0.0045%; no homozygotes.

Submissions (2):

Labcorp Genetics (formerly Invitae), Labcorp
Classification: Uncertain significance for Muscular dystrophy-dystroglycanopathy (congenital with impaired intellectual development), type B, 2; Muscular dystrophy-dystroglycanopathy (congenital with brain and eye anomalies), type A2; Autosomal recessive limb-girdle muscular dystrophy type 2N. Last evaluated: 2020-02-16. Review status: criteria provided, single submitter. Criteria: Invitae Variant Classification Sherloc (09022015). Collection method: clinical testing. Allele origin: germline.
Comment: Algorithms developed to predict the effect of missense changes on protein structure and function (SIFT, PolyPhen-2, Align-GVGD) all suggest that this variant is likely to be disruptive, but these predictions have not been confirmed by published functional studies and their clinical significance is uncertain. In summary, the available evidence is currently insufficient to determine the role of this variant in disease. Therefore, it has been classified as a Variant of Uncertain Significance. This sequence change replaces phenylalanine with cysteine at codon 654 of the POMT2 protein (p.Phe654Cys). The phenylalanine residue is highly conserved and there is a large physicochemical difference between phenylalanine and cysteine. This variant is present in population databases (rs769782374, ExAC 0.01%). This variant has not been reported in the literature in individuals with POMT2-related conditions.

Juno Genomics, Hangzhou Juno Genomics, Inc
Classification: Uncertain significance for Muscular dystrophy-dystroglycanopathy (congenital with impaired intellectual development), type B, 2; Muscular dystrophy-dystroglycanopathy (congenital with brain and eye anomalies), type A2; Autosomal recessive limb-girdle muscular dystrophy type 2N. Review status: criteria provided, single submitter. Criteria: ACMG Guidelines, 2015. Collection method: clinical testing. Allele origin: germline.
Comment: Absent from controls (or at extremely low frequency if recessive) in Genome Aggregation Database.;Multiple lines of computational evidence support a deleterious effect on the gene or gene product.

NM_013382.7(POMT2):c.1961T>G (p.Phe654Cys)

Gene: POMT2 (protein O-mannosyltransferase 2; minus strand). Cytogenetic location: 14q24.3.
Variant type: single nucleotide variant.
Coding change: c.1961T>G on transcript NM_013382.7 (MANE Select); coding-DNA position 1961, T replaced by G.
Protein change: p.Phe654Cys; replaces phenylalanine 654 with cysteine.
Molecular consequence: missense variant.
Genome position (GRCh38, 1-based): chr14:77,278,800, A>C on the plus strand (T>G on the coding strand, the complement: POMT2 is on the minus strand). VCF-style: chr14-77278800-A-C. GRCh37 (hg19) VCF-style: chr14-77745143-A-C.
Other names: short protein forms F654C.
Identifiers: ClinVar variation 1064334 (VCV001064334.11), dbSNP rs769782374, ClinGen allele CA7285584.